The following is an entry in ClinVar:

NM_153704.6(TMEM67):c.333C>T (p.Gly111=)

Gene: TMEM67 (transmembrane protein 67; plus strand). Cytogenetic location: 8q22.1.
Variant type: single nucleotide variant.
Coding change: c.333C>T on transcript NM_153704.6 (MANE Select); coding-DNA position 333, C replaced by T.
Protein change: p.Gly111=; no amino-acid change (glycine 111 retained).
Molecular consequence: synonymous variant. On other transcripts: 5 prime UTR variant (1), non-coding transcript variant (1).
Genome position (GRCh38, 1-based): chr8:93,758,503, C>T. VCF-style: chr8-93758503-C-T. GRCh37 (hg19) VCF-style: chr8-94770731-C-T.
Other names: c.-45C>T (NM_001142301.1).
Identifiers: ClinVar variation 1712467 (VCV001712467.10), dbSNP rs768929156, ClinGen allele CA4807603.

ClinVar aggregate classification (germline): Conflicting classifications of pathogenicity. Review status: criteria provided, conflicting classifications (1 of 4 stars). 4 submissions from 4 submitters: Uncertain significance (1); Likely benign (2). 1 of the submissions does not count toward it. Last evaluated 2024-05-30.

Conditions:
Atypical hemolytic-uremic syndrome. Identifiers: Orphanet 2134, MedGen C2931788, MONDO:0016244.
TMEM67-related disorder. Also called: TMEM67-related disorders; TMEM67-related condition. Identifiers: MedGen CN239423.
Meckel-Gruber syndrome. Also called: DYSENCEPHALIA SPLANCHNOCYSTICA; GRUBER SYNDROME; Dysencephalia splachnocystica. Identifiers: Orphanet 564, MedGen C0265215, MONDO:0018921.
Joubert syndrome. Also called: JOUBERT-BOLTSHAUSER SYNDROME; Familial aplasia of the vermis. Identifiers: Orphanet 475, MedGen C5979921, MONDO:0018772.

Allele frequency attached by ClinVar (database versions not stated): gnomAD 0.00001; ExAC 0.00002.
gnomAD v4.1: 7 of 1,613,516 alleles (0.00043%); highest among the groups gnomAD compares: East Asian, 0.011%; no homozygotes.

Submissions (4):

Labcorp Genetics (formerly Invitae), Labcorp
Classification: Likely benign for Joubert syndrome; Meckel-Gruber syndrome. Last evaluated: 2024-05-30. Review status: criteria provided, single submitter. Criteria: Invitae Variant Classification Sherloc (09022015). Collection method: clinical testing. Allele origin: germline.

Blueprint Genetics
Classification: Likely benign. Last evaluated: 2024-04-18. Review status: criteria provided, single submitter. Criteria: ACMG Guidelines, 2015. Collection method: clinical testing. Allele origin: germline.

Genome Diagnostics Laboratory, The Hospital for Sick Children
Classification: Uncertain significance for Atypical hemolytic-uremic syndrome. Last evaluated: 2018-01-01. Review status: criteria provided, single submitter. Criteria: ACMG Guidelines, 2015. Collection method: clinical testing. Allele origin: germline.

PreventionGenetics, part of Exact Sciences
Classification: Likely benign for TMEM67-related condition. Last evaluated: 2024-02-06. Review status: no assertion criteria provided. Collection method: clinical testing. Allele origin: germline. Not counted in ClinVar's aggregate classification.
Comment: This variant is classified as likely benign based on ACMG/AMP sequence variant interpretation guidelines (Richards et al. 2015 PMID: 25741868, with internal and published modifications).